The following is an entry in ClinVar:

NM_000059.4(BRCA2):c.273C>T (p.Tyr91=)

Gene: BRCA2 (BRCA2 DNA repair associated; plus strand). Cytogenetic location: 13q13.1.
Variant type: single nucleotide variant.
Coding change: c.273C>T on transcript NM_000059.4 (MANE Select); coding-DNA position 273, C replaced by T.
Protein change: p.Tyr91=; no amino-acid change (tyrosine 91 retained).
Molecular consequence: synonymous variant.
Genome position (GRCh38, 1-based): chr13:32,319,282, C>T. VCF-style: chr13-32319282-C-T. GRCh37 (hg19) VCF-style: chr13-32893419-C-T.
Identifiers: ClinVar variation 185098 (VCV000185098.27), dbSNP rs145988146, ClinGen allele CA016217.
Genomic context (GRCh38, chr13:32,319,282, plus strand): 5'-TAATCAGCTGGCTTCAACTCCAATAATATTCAAAGAGCAAGGGCTGACTCTGCCGCTGTA[C>T]CAATCTCCTGTAAAAGAATTAGATAAATTCAAATTAGACTTAGGTAAGTAATGCAATATG-3'
Protein context (NP_000050.3, residues 81-101): FKEQGLTLPL[Tyr91=]QSPVKELDKF

ClinVar aggregate classification (germline): Likely benign. Review status: reviewed by expert panel (3 of 4 stars). 10 submissions from 10 submitters: Likely benign (1). 9 of the submissions do not count toward it. Last evaluated 2017-06-29.

Conditions:
BRCA2-related disorder. Also called: BRCA2-related condition; BRCA2-related disorders. Identifiers: MedGen CN239275.
Hereditary cancer-predisposing syndrome. Also called: Tumor predisposition; Hereditary Cancer Syndrome; Hereditary neoplastic syndrome; Neoplastic Syndromes, Hereditary. Identifiers: Orphanet 140162, MedGen C0027672, MeSH D009386, MONDO:0015356.
Hereditary breast ovarian cancer syndrome. Also called: Breast and ovarian cancer; Hereditary breast and ovarian cancer syndrome; Hereditary breast and ovarian cancer; BRCA1- and BRCA2-Associated Hereditary Breast and Ovarian Cancer; Hereditary breast and ovarian cancer syndrome (HBOC); Hereditary breast and/or ovarian cancer syndrome. Identifiers: Orphanet 145, MedGen C0677776, MeSH D061325, MONDO:0003582. Disease mechanism: loss of function.
Breast-ovarian cancer, familial, susceptibility to, 2 (BROVCA2). Also called: BRCA2 Hereditary Breast and Ovarian Cancer. Identifiers: Orphanet 145, MedGen C2675520, MONDO:0012933, OMIM 612555. Disease mechanism: loss of function.

Allele frequency attached by ClinVar (database versions not stated): ExAC 0.00001; gnomAD exomes 0.00001; TOPMed 0.00002; gnomAD 0.00003; ESP Exome Variant Server 0.00015.
gnomAD v4.1: 8 of 1,613,690 alleles (0.0005%); highest among the groups gnomAD compares: African/African-American, 0.011%; no homozygotes.

Submissions (10):

Evidence-based Network for the Interpretation of Germline Mutant Alleles (ENIGMA)
Classification: Likely benign for Breast-ovarian cancer, familial, susceptibility to, 2. Last evaluated: 2017-06-29. Review status: reviewed by expert panel. Criteria: ENIGMA BRCA1/2 Classification Criteria (2017-06-29). Collection method: curation. Allele origin: germline.
Comment: Synonymous substitution variant, with low bioinformatic likelihood to result in a splicing aberration (Splicing prior probability 0.02).

Labcorp Genetics (formerly Invitae), Labcorp
Classification: Likely benign for Hereditary breast ovarian cancer syndrome. Last evaluated: 2026-01-04. Review status: criteria provided, single submitter. Criteria: Invitae Variant Classification Sherloc (09022015). Collection method: clinical testing. Allele origin: germline. Not counted in ClinVar's aggregate classification.

All of Us Research Program, National Institutes of Health
Classification: Likely benign for Breast-ovarian cancer, familial, susceptibility to, 2. Last evaluated: 2024-02-05. Review status: criteria provided, single submitter. Criteria: ACMG Guidelines, 2015. Collection method: clinical testing. Allele origin: germline. Inheritance: Autosomal dominant inheritance. Observed: 3 variant alleles, 3 heterozygotes. Not counted in ClinVar's aggregate classification.
Comment: This study involves interpretation of variants in research participants for the purpose of population health screening. Participant phenotype was not available at the time of variant classification. Additional details can be found in publication PMID: 35346344, PMCID: PMC8962531

Quest Diagnostics Nichols Institute San Juan Capistrano
Classification: Likely benign. Last evaluated: 2022-10-14. Review status: criteria provided, single submitter. Criteria: Quest Diagnostics criteria. Collection method: clinical testing. Allele origin: unknown. Not counted in ClinVar's aggregate classification.

Sema4
Classification: Likely benign for Hereditary cancer-predisposing syndrome. Last evaluated: 2021-03-01. Review status: criteria provided, single submitter. Criteria: Sema4 Curation Guidelines. Collection method: curation. Allele origin: germline. Not counted in ClinVar's aggregate classification.

Color Diagnostics, LLC DBA Color Health
Classification: Likely benign for Hereditary cancer-predisposing syndrome. Last evaluated: 2020-11-18. Review status: criteria provided, single submitter. Criteria: ACMG Guidelines, 2015. Collection method: clinical testing. Allele origin: germline. Not counted in ClinVar's aggregate classification.

Women's Health and Genetics/Laboratory Corporation of America, LabCorp
Classification: Likely benign. Last evaluated: 2020-11-08. Review status: criteria provided, single submitter. Criteria: LabCorp Variant Classification Summary - May 2015. Collection method: clinical testing. Allele origin: germline. Not counted in ClinVar's aggregate classification.

GeneDx
Classification: Likely benign. Last evaluated: 2020-09-24. Review status: criteria provided, single submitter. Criteria: GeneDx Variant Classification Process June 2021. Collection method: clinical testing. Allele origin: germline. Affected: yes. Not counted in ClinVar's aggregate classification.

Ambry Genetics
Classification: Likely benign for Hereditary cancer-predisposing syndrome. Last evaluated: 2014-06-17. Review status: criteria provided, single submitter. Criteria: Ambry Variant Classification Scheme 2023. Collection method: clinical testing. Allele origin: germline. Not counted in ClinVar's aggregate classification.

PreventionGenetics, part of Exact Sciences
Classification: Likely benign for BRCA2-related condition. Last evaluated: 2019-09-24. Review status: no assertion criteria provided. Collection method: clinical testing. Allele origin: germline. Not counted in ClinVar's aggregate classification.
Comment: This variant is classified as likely benign based on ACMG/AMP sequence variant interpretation guidelines (Richards et al. 2015 PMID: 25741868, with internal and published modifications).